The following is an entry in ClinVar:

ClinVar aggregate classification (germline): Benign. Review status: criteria provided, multiple submitters, no conflicts (2 of 4 stars). 9 submissions from 9 submitters: Benign (7). 2 of the submissions do not count toward it. Last evaluated 2024-11-27.

Conditions:
Hereditary factor X deficiency disease. Also called: Congenital factor X deficiency; STUART-PROWER FACTOR DEFICIENCY. Identifiers: Orphanet 328, MedGen C0272327, MONDO:0009212, OMIM 227600.

Allele frequency attached by ClinVar (database versions not stated): 1000 Genomes Project 30x 0.62164; 1000 Genomes Project 0.62320; TOPMed 0.70830; gnomAD 0.72353 and 0.72493; ESP Exome Variant Server 0.73912.
gnomAD v4.1: 1,323,433 of 1,612,706 alleles (82%); highest among the groups gnomAD compares: Non-Finnish European, 87%; 552,676 homozygotes.

Submissions (9):

Blueprint Genetics
Classification: Benign. Last evaluated: 2024-11-27. Review status: criteria provided, single submitter. Criteria: ACMG Guidelines, 2015. Collection method: clinical testing. Allele origin: germline.

Mayo Clinic Laboratories, Mayo Clinic
Classification: Benign. Last evaluated: 2022-01-13. Review status: criteria provided, single submitter. Criteria: ACMG Guidelines, 2015. Collection method: clinical testing. Allele origin: germline. Observed: 126 variant alleles.

Genome-Nilou Lab
Classification: Benign for Hereditary factor X deficiency disease. Last evaluated: 2021-08-10. Review status: criteria provided, single submitter. Criteria: ACMG Guidelines, 2015. Collection method: clinical testing. Allele origin: germline. Affected: no.

GeneDx
Classification: Benign. Last evaluated: 2018-11-11. Review status: criteria provided, single submitter. Criteria: GeneDx Variant Classification Process June 2021. Collection method: clinical testing. Allele origin: germline. Affected: yes.

Illumina Laboratory Services, Illumina
Classification: Benign for Hereditary factor X deficiency disease. Last evaluated: 2018-01-12. Review status: criteria provided, single submitter. Criteria: ICSL Variant Classification Criteria 13 December 2019. Collection method: clinical testing. Allele origin: germline.
Comment: This variant was observed in the ICSL laboratory as part of a predisposition screen in an ostensibly healthy population. It had not been previously curated by ICSL or reported in the Human Gene Mutation Database (HGMD: prior to June 1st, 2018), and was therefore a candidate for classification through an automated scoring system. Utilizing variant allele frequency, disease prevalence and penetrance estimates, and inheritance mode, an automated score was calculated to assess if this variant is too frequent to cause the disease. Based on the score and internal cut-off values, a variant classified as benign is not then subjected to further curation. The score for this variant resulted in a classification of benign for this disease.

Breakthrough Genomics
Classification: Benign. Review status: criteria provided, single submitter. Criteria: ACMG Guidelines, 2015. Collection method: not provided. Allele origin: germline. Inheritance: Autosomal recessive inheritance. Affected: yes.

PreventionGenetics, part of Exact Sciences
Classification: Benign. Review status: criteria provided, single submitter. Criteria: ACMG Guidelines, 2015. Collection method: clinical testing. Allele origin: germline.

Diagnostic Laboratory, Department of Genetics, University Medical Center Groningen
Classification: Benign. Review status: no assertion criteria provided. Collection method: clinical testing. Allele origin: germline. Affected: yes. Study: VKGL Data-share Consensus. Not counted in ClinVar's aggregate classification.

Joint Genome Diagnostic Labs from Nijmegen and Maastricht, Radboudumc and MUMC+
Classification: Benign. Review status: no assertion criteria provided. Collection method: clinical testing. Allele origin: germline. Affected: yes. Study: VKGL Data-share Consensus. Not counted in ClinVar's aggregate classification.

NM_000504.4(F10):c.792C>T (p.Thr264=)

Genes: F10 (coagulation factor X; plus strand), F10-AS2 (F10 antisense RNA 2; minus strand). Cytogenetic location: 13q34.
Variant type: single nucleotide variant.
Coding change: c.792C>T on transcript NM_000504.4 (MANE Select); coding-DNA position 792, C replaced by T.
Protein change: p.Thr264=; no amino-acid change (threonine 264 retained).
Molecular consequence: synonymous variant.
Genome position (GRCh38, 1-based): chr13:113,147,423, C>T. VCF-style: chr13-113147423-C-T. GRCh37 (hg19) VCF-style: chr13-113801737-C-T.
Other names: p.Thr264=; c.792C>T (LRG_548t1); c.660C>T, p.Thr220= (NM_001312674.2); c.792C>T, p.Thr264= (NM_001312675.2).
Identifiers: ClinVar variation 256308 (VCV000256308.16), dbSNP rs5960, ClinGen allele CA7060587.